The following is an entry in ClinVar:

ClinVar aggregate classification (germline): Conflicting classifications of pathogenicity. Review status: criteria provided, conflicting classifications (1 of 4 stars). 2 submissions from 2 submitters: Uncertain significance (1); Likely benign (1). Last evaluated 2024-09-20.

Conditions:
Inborn genetic diseases. Identifiers: MedGen C0950123, MeSH D030342.
Neurodevelopmental disorder with hypotonia, neonatal respiratory insufficiency, and thermodysregulation. Identifiers: MedGen C5394091, MONDO:0032921, OMIM 618797.

Submissions (2):

3billion
Classification: Likely benign for Neurodevelopmental disorder with hypotonia, neonatal respiratory insufficiency, and thermodysregulation. Last evaluated: 2024-09-20. Review status: criteria provided, single submitter. Criteria: ACMG Guidelines, 2015. Collection method: clinical testing. Allele origin: germline. Affected: no.
Comment: The homozygous variant was found in patients diagnosed with another variant in a different gene, with no symptoms related to the gene containing the homozygous variant.

Ambry Genetics
Classification: Uncertain significance for Inborn genetic diseases. Last evaluated: 2023-02-22. Review status: criteria provided, single submitter. Criteria: Ambry Variant Classification Scheme 2023. Collection method: clinical testing. Allele origin: germline.

NM_001346249.2(RALGAPA1):c.5819A>G (p.His1940Arg)

Gene: RALGAPA1 (Ral GTPase activating protein catalytic subunit alpha 1; minus strand). Cytogenetic location: 14q13.2.
Variant type: single nucleotide variant.
Coding change: c.5819A>G on transcript NM_001346249.2 (MANE Select); coding-DNA position 5819, A replaced by G.
Protein change: p.His1940Arg; replaces histidine 1940 with arginine.
Molecular consequence: missense variant.
Genome position (GRCh38, 1-based): chr14:35,634,750, T>C on the plus strand (A>G on the coding strand, the complement: RALGAPA1 is on the minus strand). VCF-style: chr14-35634750-T-C. GRCh37 (hg19) VCF-style: chr14-36103956-T-C.
Other names: c.4340A>G, p.His1447Arg (NM_001283043.3); c.4442A>G, p.His1481Arg (NM_001283044.3, NM_001346245.2, NM_001346247.2); c.5678A>G, p.His1893Arg (NM_001330075.3, NM_001346248.2); c.4301A>G, p.His1434Arg (NM_001346243.2, NM_001346246.2, NM_014990.3 and 1 more transcripts); short protein forms H1940R, H1447R, H1434R, H1481R, H1893R.
Identifiers: ClinVar variation 2473839 (VCV002473839.3), dbSNP rs2061566465, ClinGen allele CA389451385.